The following is an entry in ClinVar:

NM_000518.5(HBB):c.316-97T>G

Genes: HBB (hemoglobin subunit beta; minus strand), LOC107133510 (origin of replication at HBB; plus strand), LOC110006319 (beta-globin gene 3' regulatory region; plus strand). Cytogenetic location: 11p15.4.
Variant type: single nucleotide variant.
Coding change: c.316-97T>G on transcript NM_000518.5 (MANE Select); 97 bases into the intron before coding-DNA position 316, T replaced by G.
Molecular consequence: intron variant.
Genome position (GRCh38, 1-based): chr11:5,225,823, A>C on the plus strand (T>G on the coding strand, the complement: HBB is on the minus strand). VCF-style: chr11-5225823-A-C. GRCh37 (hg19) VCF-style: chr11-5247053-A-C.
Identifiers: ClinVar variation 3572122 (VCV003572122.1).
Genomic context (GRCh38, chr11:5,225,823, plus strand): 5'-CAAAAGGGCCTAGCTTGGACTCAGAATAATCCAGCCTTATCCCAACCATAAAATAAAAGC[A>C]GAATGGTAGCTGGATTGTAGCTGCTATTAGCAATATGAAACCTCTTACATCAGTTACAAT-3'

ClinVar aggregate classification (germline): Uncertain significance (1 of 4 stars; one submission).

Submission:

Quest Diagnostics Nichols Institute San Juan Capistrano
Classification: Uncertain significance. Last evaluated: 2024-01-29. Review status: criteria provided, single submitter. Criteria: Quest Diagnostics criteria. Collection method: clinical testing. Allele origin: unknown.
Comment: The HBB c.316-97T>G variant has not been reported in individuals with HBB-related conditions in the published literature. It also has not been reported in large, multi-ethnic general populations (Genome Aggregation Database). Analysis of this variant using software algorithms for the prediction of the effect of nucleotide changes on splicing yielded predictions that this variant does not affect HBB mRNA splicing. Based on the available information, we are unable to determine the clinical significance of this variant.